The following is an entry in ClinVar:

NM_002755.4(MAP2K1):c.56C>G (p.Ala19Gly)

Gene: MAP2K1 (mitogen-activated protein kinase kinase 1; plus strand). Cytogenetic location: 15q22.31.
Variant type: single nucleotide variant.
Coding change: c.56C>G on transcript NM_002755.4 (MANE Select); coding-DNA position 56, C replaced by G.
Protein change: p.Ala19Gly; replaces alanine 19 with glycine.
Molecular consequence: missense variant.
Genome position (GRCh38, 1-based): chr15:66,387,403, C>G. VCF-style: chr15-66387403-C-G. GRCh37 (hg19) VCF-style: chr15-66679741-C-G.
Other names: short protein forms A19G.
Identifiers: ClinVar variation 177942 (VCV000177942.10), dbSNP rs727504413, ClinGen allele CA181038.

ClinVar aggregate classification (germline): Uncertain significance. Review status: criteria provided, multiple submitters, no conflicts (2 of 4 stars). 3 submissions from 3 submitters: Uncertain significance (3). Last evaluated 2024-10-19.

Conditions:
Melorheostosis (MEL). Also called: MELORHEOSTOSIS, ISOLATED. Identifiers: Orphanet 2485, MedGen C3149631, MONDO:0007970, OMIM 155950, HP:6000817.
Cardiofaciocutaneous syndrome 3 (CFC3). Also called: MAP2K1-Related Cardiofaciocutaneous Syndrome. Identifiers: Orphanet 1340, MedGen C3809006, MONDO:0014113, OMIM 615279.
RASopathy. Also called: Noonan spectrum disorder; rasopathies. Identifiers: Orphanet 536391, MedGen C5555857, MONDO:0021060.

Allele frequency attached by ClinVar (database versions not stated): TOPMed 0.00005; gnomAD exomes below 0.00001 and 0.00001; gnomAD 0.00005 and 0.00006; ExAC 0.00009.
gnomAD v4.1: 12 of 1,563,458 alleles (0.00077%); highest among the groups gnomAD compares: African/African-American, 0.016%; no homozygotes.

Submissions (3):

Labcorp Genetics (formerly Invitae), Labcorp
Classification: Uncertain significance for RASopathy. Last evaluated: 2024-10-19. Review status: criteria provided, single submitter. Criteria: Invitae Variant Classification Sherloc (09022015). Collection method: clinical testing. Allele origin: germline.
Comment: This sequence change replaces alanine, which is neutral and non-polar, with glycine, which is neutral and non-polar, at codon 19 of the MAP2K1 protein (p.Ala19Gly). The frequency data for this variant in the population databases is considered unreliable, as metrics indicate poor data quality at this position in the gnomAD database. This variant has not been reported in the literature in individuals affected with MAP2K1-related conditions. ClinVar contains an entry for this variant (Variation ID: 177942). Invitae Evidence Modeling of protein sequence and biophysical properties (such as structural, functional, and spatial information, amino acid conservation, physicochemical variation, residue mobility, and thermodynamic stability) indicates that this missense variant is not expected to disrupt MAP2K1 protein function with a negative predictive value of 95%. In summary, the available evidence is currently insufficient to determine the role of this variant in disease. Therefore, it has been classified as a Variant of Uncertain Significance.

Fulgent Genetics
Classification: Uncertain significance for Melorheostosis; Cardiofaciocutaneous syndrome 3. Last evaluated: 2023-12-27. Review status: criteria provided, single submitter. Criteria: ACMG Guidelines, 2015. Collection method: clinical testing. Allele origin: germline.

Laboratory for Molecular Medicine, Mass General Brigham Personalized Medicine
Classification: Uncertain significance. Last evaluated: 2010-11-23. Review status: criteria provided, single submitter. Criteria: LMM Criteria. Collection method: clinical testing. Allele origin: germline. Observed: 2 variant alleles.
Comment: The Ala19Gly variant has not been previously reported in the literature or been identified in our laboratory. Therefore, the clinical significance of this varia nt cannot be determined at this time.